The following is an entry in ClinVar:

ClinVar aggregate classification (germline): Uncertain significance (1 of 4 stars; one submission).

Submission:

GeneDx
Classification: Uncertain significance. Last evaluated: 2025-06-25. Review status: criteria provided, single submitter. Criteria: GeneDx Variant Classification Process June 2021. Collection method: clinical testing. Allele origin: germline. Affected: yes.
Comment: Not observed at significant frequency in large population cohorts (gnomAD); In silico analysis supports that this missense variant has a deleterious effect on protein structure/function; Has not been previously published as pathogenic or benign to our knowledge

NM_006852.6(TLK2):c.1721G>A (p.Gly574Asp)

Gene: TLK2 (tousled like kinase 2; plus strand). Cytogenetic location: 17q23.2.
Variant type: single nucleotide variant.
Coding change: c.1721G>A on transcript NM_006852.6 (MANE Select); coding-DNA position 1721, G replaced by A.
Protein change: p.Gly574Asp; replaces glycine 574 with aspartic acid.
Molecular consequence: missense variant.
Genome position (GRCh38, 1-based): chr17:62,602,042, G>A. VCF-style: chr17-62602042-G-A. GRCh37 (hg19) VCF-style: chr17-60679403-G-A.
Other names: c.1625G>A, p.Gly542Asp (NM_001438204.1, NM_001284363.1, NM_001375272.1 and 1 more transcripts); c.1532G>A, p.Gly511Asp (NM_001438205.1); c.1787G>A, p.Gly596Asp (NM_001284333.3); c.1274G>A, p.Gly425Asp (NM_001330418.3, NM_001375273.1); c.1763G>A, p.Gly588Asp (NM_001375269.1); c.1721G>A, p.Gly574Asp (NM_001375270.1, NM_001375271.1); c.1436G>A, p.Gly479Asp (NM_001411074.1); short protein forms G425D, G479D, G511D, G542D, G574D, G588D, G596D.
Identifiers: ClinVar variation 4539845 (VCV004539845.1).